The following is an entry in ClinVar:

ClinVar aggregate classification (germline): Conflicting classifications of pathogenicity. Review status: criteria provided, conflicting classifications (1 of 4 stars). 3 submissions from 3 submitters: Uncertain significance (2); Likely benign (1). Last evaluated 2025-04-28.

Conditions:
Dyskeratosis congenita. Identifiers: Orphanet 1775, MedGen C0265965, MONDO:0015780.
Dyskeratosis congenita, autosomal dominant 2. Identifiers: MedGen C3151443, MONDO:0013521, OMIM 613989.
Idiopathic Pulmonary Fibrosis. Also called: Idiopathic fibrosing alveolitis, chronic form; idiopathic fibrosing alveolitis. Identifiers: Orphanet 2032, MedGen C1800706, MeSH D054990, MONDO:0800504.
TERT-related disorder. Also called: TERT-related condition; TERT-related disorders.

Allele frequency attached by ClinVar (database versions not stated): TOPMed 0.00002.
gnomAD v4.1: 4 of 1,603,780 alleles (0.00025%); highest among the groups gnomAD compares: Admixed American, 0.0034%; no homozygotes.

Submissions (3):

Labcorp Genetics (formerly Invitae), Labcorp
Classification: Uncertain significance for Dyskeratosis congenita, autosomal dominant 2; Idiopathic Pulmonary Fibrosis. Last evaluated: 2025-04-28. Review status: criteria provided, single submitter. Criteria: Invitae Variant Classification Sherloc (09022015). Collection method: clinical testing. Allele origin: germline.
Comment: This sequence change replaces arginine, which is basic and polar, with histidine, which is basic and polar, at codon 470 of the TERT protein (p.Arg470His). This variant is present in population databases (no rsID available, gnomAD 0.003%). This variant has not been reported in the literature in individuals affected with TERT-related conditions. ClinVar contains an entry for this variant (Variation ID: 1771970). Invitae Evidence Modeling of protein sequence and biophysical properties (such as structural, functional, and spatial information, amino acid conservation, physicochemical variation, residue mobility, and thermodynamic stability) indicates that this missense variant is not expected to disrupt TERT protein function with a negative predictive value of 95%. In summary, the available evidence is currently insufficient to determine the role of this variant in disease. Therefore, it has been classified as a Variant of Uncertain Significance.

PreventionGenetics, part of Exact Sciences
Classification: Uncertain significance for TERT-related condition. Last evaluated: 2022-08-28. Review status: criteria provided, single submitter. Criteria: ACMG Guidelines, 2015. Collection method: clinical testing. Allele origin: germline.
Comment: The TERT c.1409G>A variant is predicted to result in the amino acid substitution p.Arg470His. To our knowledge, this variant has not been reported in the literature. This variant is reported in 0.0031% of alleles in individuals of Latino descent in gnomAD. At this time, the clinical significance of this variant is uncertain due to the absence of conclusive functional and genetic evidence.

Ambry Genetics
Classification: Likely benign for Dyskeratosis congenita. Last evaluated: 2022-04-05. Review status: criteria provided, single submitter. Criteria: Ambry Variant Classification Scheme 2023. Collection method: clinical testing. Allele origin: germline.

NM_198253.3(TERT):c.1409G>A (p.Arg470His)

Gene: TERT (telomerase reverse transcriptase; minus strand). Cytogenetic location: 5p15.33.
Variant type: single nucleotide variant.
Coding change: c.1409G>A on transcript NM_198253.3 (MANE Select); coding-DNA position 1409, G replaced by A.
Protein change: p.Arg470His; replaces arginine 470 with histidine.
Molecular consequence: missense variant. On other transcripts: non-coding transcript variant (2).
Genome position (GRCh38, 1-based): chr5:1,293,477, C>T on the plus strand (G>A on the coding strand, the complement: TERT is on the minus strand). VCF-style: chr5-1293477-C-T. GRCh37 (hg19) VCF-style: chr5-1293592-C-T.
Other names: c.1409G>A, p.Arg470His (NM_001193376.3, NM_003219.1); short protein forms R470H.
Identifiers: ClinVar variation 1771970 (VCV001771970.10), dbSNP rs1013341756, ClinGen allele CA112957582.
Genomic context (GRCh38, chr5:1,293,477, plus strand): 5'-TTCCTGAGGAAGCGGCGTTCGTTGTGCCTGGAGCCCCAGAGGCCTGGGGGCACCAGCCGG[C>T]GCAGGCAGGCCCGCACGAAGCCGTACACCTGCCAGGGGCTGCTGTGCTGGCGGAGCAGCT-3'
Protein context (NP_937983.2, residues 460-480): QVYGFVRACL[Arg470His]RLVPPGLWGS